The following is an entry in ClinVar:

NM_174936.4(PCSK9):c.81C>T (p.Gly27=)

Gene: PCSK9 (proprotein convertase subtilisin/kexin type 9; plus strand). Cytogenetic location: 1p32.3.
Variant type: single nucleotide variant.
Coding change: c.81C>T on transcript NM_174936.4 (MANE Select); coding-DNA position 81, C replaced by T.
Protein change: p.Gly27=; no amino-acid change (glycine 27 retained).
Molecular consequence: synonymous variant.
Genome position (GRCh38, 1-based): chr1:55,039,918, C>T. VCF-style: chr1-55039918-C-T. GRCh37 (hg19) VCF-style: chr1-55505591-C-T.
Identifiers: ClinVar variation 920368 (VCV000920368.3), dbSNP rs1288602841, ClinGen allele CA417957331.

ClinVar aggregate classification (germline): Likely benign. Review status: criteria provided, multiple submitters, no conflicts (2 of 4 stars). 2 submissions from 2 submitters: Likely benign (2). Last evaluated 2023-12-13.

Conditions:
Familial hypercholesterolemia. Also called: Familial hypercholesterolemias; Familial hypercholesterolaemia. Identifiers: MedGen C0020445, MONDO:0005439.
Hypercholesterolemia, autosomal dominant, 3 (FHCL3). Also called: Familial hypercholesterolemia 3; Familial Hypercholesterolemia, Autosomal Dominant, 3; PCSK9-Related Familial Hypercholesterolemia, Autosomal Dominant. Identifiers: MedGen C1863551, MONDO:0011369, OMIM 603776.

Allele frequency attached by ClinVar (database versions not stated): gnomAD exomes below 0.00001; TOPMed below 0.00001.

Submissions (2):

All of Us Research Program, National Institutes of Health
Classification: Likely benign for Hypercholesterolemia, autosomal dominant, 3. Last evaluated: 2023-12-13. Review status: criteria provided, single submitter. Criteria: ACMG Guidelines, 2015. Collection method: clinical testing. Allele origin: germline. Inheritance: Autosomal dominant inheritance. Observed: 1 variant allele, 1 heterozygote.
Comment: This study involves interpretation of variants in research participants for the purpose of population health screening. Participant phenotype was not available at the time of variant classification. Additional details can be found in publication PMID: 35346344, PMCID: PMC8962531

Color Diagnostics, LLC DBA Color Health
Classification: Likely benign for Familial hypercholesterolemia. Last evaluated: 2018-07-14. Review status: criteria provided, single submitter. Criteria: ACMG Guidelines, 2015. Collection method: clinical testing. Allele origin: germline.